The following is an entry in ClinVar:

ClinVar aggregate classification (germline): Uncertain significance (1 of 4 stars; one submission).

gnomAD v4.1: 4 of 1,211,649 alleles (0.00033%); highest among the groups gnomAD compares: Non-Finnish European, 0.00045%; no homozygotes.

Submission:

Labcorp Genetics (formerly Invitae), Labcorp
Classification: Uncertain significance. Last evaluated: 2025-06-17. Review status: criteria provided, single submitter. Criteria: Invitae Variant Classification Sherloc (09022015). Collection method: clinical testing. Allele origin: germline.
Comment: This sequence change replaces asparagine, which is neutral and polar, with lysine, which is basic and polar, at codon 395 of the TLR7 protein (p.Asn395Lys). This variant is not present in population databases (gnomAD no frequency). This variant has not been reported in the literature in individuals affected with TLR7-related conditions. An algorithm developed to predict the effect of missense changes on protein structure and function outputs the following: PolyPhen-2: "Benign". The lysine amino acid residue is found in multiple mammalian species, which suggests that this missense change does not adversely affect protein function. In summary, the available evidence is currently insufficient to determine the role of this variant in disease. Therefore, it has been classified as a Variant of Uncertain Significance.

NM_016562.4(TLR7):c.1185T>A (p.Asn395Lys)

Gene: TLR7 (toll like receptor 7; plus strand). Cytogenetic location: Xp22.2.
Variant type: single nucleotide variant.
Coding change: c.1185T>A on transcript NM_016562.4 (MANE Select); coding-DNA position 1185, T replaced by A.
Protein change: p.Asn395Lys; replaces asparagine 395 with lysine.
Molecular consequence: missense variant.
Genome position (GRCh38, 1-based): chrX:12,886,693, T>A. VCF-style: chrX-12886693-T-A. GRCh37 (hg19) VCF-style: chrX-12904812-T-A.
Other names: short protein forms N395K.
Identifiers: ClinVar variation 4721267 (VCV004721267.1).